The following is an entry in ClinVar:

NM_018026.4(PACS1):c.1841G>A (p.Cys614Tyr)

Gene: PACS1 (phosphofurin acidic cluster sorting protein 1; plus strand). Cytogenetic location: 11q13.2.
Variant type: single nucleotide variant.
Coding change: c.1841G>A on transcript NM_018026.4 (MANE Select); coding-DNA position 1841, G replaced by A.
Protein change: p.Cys614Tyr; replaces cysteine 614 with tyrosine.
Molecular consequence: missense variant.
Genome position (GRCh38, 1-based): chr11:66,233,787, G>A. VCF-style: chr11-66233787-G-A. GRCh37 (hg19) VCF-style: chr11-66001258-G-A.
Other names: short protein forms C614Y.
Identifiers: ClinVar variation 4056700 (VCV004056700.1).
Genomic context (GRCh38, chr11:66,233,787, plus strand): 5'-CCCCGGGCAGGATCCTGGCACCCCTGAGCACTGCTATGACGCTCCCCTTCCTCCCCAGCT[G>A]CAACTGCAACTCTTCCATGCCGAGGCCAGTGAAGGTGGCTGCTGTGGGAGGCCAGAGCTA-3'
Protein context (NP_060496.2, residues 604-624): SALLTRIQRY[Cys614Tyr]NCNSSMPRPV

ClinVar aggregate classification (germline): Uncertain significance (1 of 4 stars; one submission).

Conditions:
Schuurs-Hoeijmakers syndrome. Also called: PACS1-Related Neurodevelopmental Disorder. Identifiers: Orphanet 329224, MedGen C3554343, MONDO:0014006, OMIM 615009.

Submission:

Laboratorio de Genetica e Diagnostico Molecular, Hospital Israelita Albert Einstein
Classification: Uncertain significance for Schuurs-Hoeijmakers syndrome. Last evaluated: 2025-02-24. Review status: criteria provided, single submitter. Criteria: ACMG Guidelines, 2015. Collection method: clinical testing. Allele origin: germline. Affected: yes.
Comment: ACMG classification criteria: PM2 supporting, PP2 supporting